The following is an entry in ClinVar:

ClinVar aggregate classification (germline): Likely pathogenic (1 of 4 stars; one submission).

Conditions:
Partial hypoxanthine-guanine phosphoribosyltransferase deficiency. Also called: HPRT DEFICIENCY, PARTIAL; HYPOXANTHINE GUANINE PHOSPHORIBOSYLTRANSFERASE 1 DEFICIENCY, PARTIAL; HPRT1 DEFICIENCY, PARTIAL; GOUT, HPRT-RELATED; Kelley-Seegmiller Syndrome. Identifiers: Orphanet 79233, MedGen C0268117, MONDO:0010299, OMIM 300323.
Lesch-Nyhan syndrome (LNS). Also called: HPRT DEFICIENCY, COMPLETE; Lesch-Nyhan Disease (LND). Identifiers: Orphanet 510, MedGen C0023374, MONDO:0010298, OMIM 300322.

Submission:

Rare Kidney Stone Consortium and the Mayo Clinic Hyperoxaluria Center, Mayo Clinic
Classification: Likely pathogenic for Partial hypoxanthine-guanine phosphoribosyltransferase deficiency; Lesch-Nyhan syndrome. Last evaluated: 2025-10-03. Review status: criteria provided, single submitter. Criteria: ACMG Guidelines, 2015. Collection method: research. Allele origin: germline. Affected: yes. Observed: 1 variant allele.
Comment: ACMG:PM1, PM2, PM6, PP3, PP4

Literature cited by the submitters: PubMed 40794449.

NM_000194.3(HPRT1):c.112C>G (p.Pro38Ala)

Gene: HPRT1 (hypoxanthine phosphoribosyltransferase 1; plus strand). Cytogenetic location: Xq26.2.
Variant type: single nucleotide variant.
Coding change: c.112C>G on transcript NM_000194.3 (MANE Select); coding-DNA position 112, C replaced by G.
Protein change: p.Pro38Ala; replaces proline 38 with alanine.
Molecular consequence: missense variant.
Genome position (GRCh38, 1-based): chrX:134,473,443, C>G. VCF-style: chrX-134473443-C-G. GRCh37 (hg19) VCF-style: chrX-133607473-C-G.
Other names: short protein forms P38A.
Identifiers: ClinVar variation 4526797 (VCV004526797.1).
Genomic context (GRCh38, chrX:134,473,443, plus strand): 5'-GACCTTGATTTATTTTGCATACCTAATCATTATGCTGAGGATTTGGAAAGGGTGTTTATT[C>G]CTCATGGACTAATTATGGACAGGTAAGTAAGATCTTAAAATGAGGTTTTTTACTTTTTCT-3'
Protein context (NP_000185.1, residues 28-48): YAEDLERVFI[Pro38Ala]HGLIMDRTER